The following is an entry in ClinVar:

ClinVar aggregate classification (germline): Pathogenic (1 of 4 stars; one submission).

Conditions:
Desmin-related myofibrillar myopathy (MFM1). Also called: Desminopathy; Desmin related myopathy (former name); Desmin storage myopathy (former name); MYOFIBRILLAR MYOPATHY WITH ARRHYTHMOGENIC RIGHT VENTRICULAR CARDIOMYOPATHY; DESMIN-RELATED MYOPATHY WITH ARRHYTHMOGENIC RIGHT VENTRICULAR CARDIOMYOPATHY; Myofibrillar myopathy 1. Identifiers: Orphanet 363543, Orphanet 98909, MedGen C1832370, MONDO:0011076, OMIM 601419.

Submission:

Labcorp Genetics (formerly Invitae), Labcorp
Classification: Pathogenic for Desmin-related myofibrillar myopathy. Last evaluated: 2022-08-18. Review status: criteria provided, single submitter. Criteria: Invitae Variant Classification Sherloc (09022015). Collection method: clinical testing. Allele origin: germline.
Comment: For these reasons, this variant has been classified as Pathogenic. Experimental studies have shown that this missense change affects DES function (PMID: 33290826). Algorithms developed to predict the effect of missense changes on protein structure and function are either unavailable or do not agree on the potential impact of this missense change (SIFT: "Deleterious"; PolyPhen-2: "Probably Damaging"; Align-GVGD: "Class C0"). This missense change has been observed in individuals with arrhythmogenic cardiomyopathy and/or dilated cardiomyopathy (PMID: 29892087, 33290826). It has also been observed to segregate with disease in related individuals. This variant is not present in population databases (gnomAD no frequency). This sequence change replaces leucine, which is neutral and non-polar, with isoleucine, which is neutral and non-polar, at codon 115 of the DES protein (p.Leu115Ile).

Literature cited by the submitters: PubMed 33290826; PubMed 29892087.

NM_001927.4(DES):c.343C>A (p.Leu115Ile)

Gene: DES (desmin; plus strand). Cytogenetic location: 2q35.
Variant type: single nucleotide variant.
Coding change: c.343C>A on transcript NM_001927.4 (MANE Select); coding-DNA position 343, C replaced by A.
Protein change: p.Leu115Ile; replaces leucine 115 with isoleucine.
Molecular consequence: missense variant.
Genome position (GRCh38, 1-based): chr2:219,418,805, C>A. VCF-style: chr2-219418805-C-A. GRCh37 (hg19) VCF-style: chr2-220283527-C-A.
Other names: c.343C>A, p.Leu115Ile (NM_001382708.1, NM_001382709.1, NM_001382710.1 and 3 more transcripts); short protein forms L115I.
Identifiers: ClinVar variation 2169507 (VCV002169507.4), dbSNP rs1954372352, ClinGen allele CA350685384.